The following is an entry in ClinVar:

NM_001243279.3(ACSF3):c.1301G>C (p.Arg434Pro)

Gene: ACSF3 (acyl-CoA synthetase family member 3; plus strand). Cytogenetic location: 16q24.3.
Variant type: single nucleotide variant.
Coding change: c.1301G>C on transcript NM_001243279.3 (MANE Select); coding-DNA position 1301, G replaced by C.
Protein change: p.Arg434Pro; replaces arginine 434 with proline.
Molecular consequence: missense variant. On other transcripts: non-coding transcript variant (3).
Genome position (GRCh38, 1-based): chr16:89,133,197, G>C. VCF-style: chr16-89133197-G-C. GRCh37 (hg19) VCF-style: chr16-89199605-G-C.
Other names: c.1301G>C (NM_174917.4); c.1301G>C, p.Arg434Pro (NM_001127214.4, NM_174917.5); c.506G>C, p.Arg169Pro (NM_001284316.2); short protein forms R434P, R169P.
Identifiers: ClinVar variation 419949 (VCV000419949.13), dbSNP rs137995833, ClinGen allele CA8238100.

ClinVar aggregate classification (germline): Uncertain significance. Review status: criteria provided, multiple submitters, no conflicts (2 of 4 stars). 8 submissions from 8 submitters: Uncertain significance (7). 1 of the submissions does not count toward it. Last evaluated 2025-09-26.

Conditions:
ACSF3-related disorder. Also called: ACSF3-related condition.
Inborn genetic diseases. Identifiers: MedGen C0950123, MeSH D030342.
Combined malonic and methylmalonic acidemia. Identifiers: Orphanet 289504, MedGen C3280314, MONDO:0013661, OMIM 614265.

Allele frequency attached by ClinVar (database versions not stated): 1000 Genomes Project 30x 0.00016; TOPMed 0.00049; ESP Exome Variant Server 0.00077.
gnomAD v4.1: 999 of 1,614,124 alleles (0.062%); highest among the groups gnomAD compares: Non-Finnish European, 0.077%; 1 homozygote.

Submissions (8):

GeneDx
Classification: Uncertain significance. Last evaluated: 2025-09-26. Review status: criteria provided, single submitter. Criteria: GeneDx Variant Classification Process June 2021. Collection method: clinical testing. Allele origin: germline. Affected: yes.
Comment: In silico analysis supports that this missense variant has a deleterious effect on protein structure/function; Has not been previously published as pathogenic or benign to our knowledge

PreventionGenetics, part of Exact Sciences
Classification: Uncertain significance for ACSF3-related condition. Last evaluated: 2024-11-19. Review status: criteria provided, single submitter. Criteria: ACMG Guidelines, 2015. Collection method: clinical testing. Allele origin: germline.
Comment: The ACSF3 c.1301G>C variant is predicted to result in the amino acid substitution p.Arg434Pro. To our knowledge, this variant has not been reported in the literature. This variant is reported in 0.084% of alleles in individuals of European (Non-Finnish) descent in gnomAD. Although we suspect that this variant may be benign, at this time, the clinical significance of this variant is uncertain due to the absence of conclusive functional and genetic evidence.

Ambry Genetics
Classification: Uncertain significance for Inborn genetic diseases. Last evaluated: 2024-02-13. Review status: criteria provided, single submitter. Criteria: Ambry Variant Classification Scheme 2023. Collection method: clinical testing. Allele origin: germline.

Labcorp Genetics (formerly Invitae), Labcorp
Classification: Uncertain significance for Combined malonic and methylmalonic acidemia. Last evaluated: 2022-06-21. Review status: criteria provided, single submitter. Criteria: Invitae Variant Classification Sherloc (09022015). Collection method: clinical testing. Allele origin: germline.
Comment: This sequence change replaces arginine, which is basic and polar, with proline, which is neutral and non-polar, at codon 434 of the ACSF3 protein (p.Arg434Pro). This variant is present in population databases (rs137995833, gnomAD 0.08%), and has an allele count higher than expected for a pathogenic variant. This variant has not been reported in the literature in individuals affected with ACSF3-related conditions. ClinVar contains an entry for this variant (Variation ID: 419949). Algorithms developed to predict the effect of missense changes on protein structure and function are either unavailable or do not agree on the potential impact of this missense change (SIFT: "Tolerated"; PolyPhen-2: "Probably Damaging"; Align-GVGD: "Class C0"). Algorithms developed to predict the effect of sequence changes on RNA splicing suggest that this variant may create or strengthen a splice site. In summary, the available evidence is currently insufficient to determine the role of this variant in disease. Therefore, it has been classified as a Variant of Uncertain Significance.

Department of Pathology and Laboratory Medicine, Sinai Health System
Classification: Uncertain significance for combined malonic and methylmalonic acidemia. Last evaluated: 2020-07-02. Review status: criteria provided, single submitter. Criteria: ACMG Guidelines, 2015. Collection method: research. Allele origin: germline.

Revvity Omics, Revvity
Classification: Uncertain significance for Combined malonic and methylmalonic acidemia. Last evaluated: 2019-06-27. Review status: criteria provided, single submitter. Criteria: ACMG Guidelines, 2015. Collection method: clinical testing. Allele origin: germline.

Breakthrough Genomics
Classification: Uncertain significance. Review status: criteria provided, single submitter. Criteria: ACMG Guidelines, 2015. Collection method: not provided. Allele origin: germline. Inheritance: Unknown mechanism. Affected: yes.

Natera, Inc.
Classification: Uncertain significance for Combined malonic and methylmalonic aciduria. Last evaluated: 2020-06-03. Review status: no assertion criteria provided. Collection method: clinical testing. Allele origin: germline. Not counted in ClinVar's aggregate classification.